The following is an entry in ClinVar:

ClinVar aggregate classification (germline): Likely pathogenic (1 of 4 stars; one submission).

Conditions:
Epidermolysis bullosa, junctional 4, intermediate. Also called: Epidermolysis bullosa, junctional, localisata variant; EPIDERMOLYSIS BULLOSA, JUNCTIONAL 4, NON-HERLITZ TYPE; EPIDERMOLYSIS BULLOSA, GENERALIZED ATROPHIC BENIGN. Identifiers: MedGen C2608084, MONDO:0030750, OMIM 619787.

Allele frequency attached by ClinVar (database versions not stated): gnomAD exomes below 0.00001.

Submission:

Laboratorio de Genetica e Diagnostico Molecular, Hospital Israelita Albert Einstein
Classification: Likely pathogenic for Epidermolysis bullosa, junctional 4, intermediate. Last evaluated: 2022-09-09. Review status: criteria provided, single submitter. Criteria: ACMG Guidelines, 2015. Collection method: clinical testing. Allele origin: germline. Affected: yes. Observed: 1 variant allele.
Comment: ACMG classification criteria: PVS1 very strong, PM2 moderated

NM_000494.4(COL17A1):c.1233del (p.Thr412fs)

Gene: COL17A1 (collagen type XVII alpha 1 chain; minus strand). Cytogenetic location: 10q25.1.
Variant type: Deletion.
Coding change: c.1233del on transcript NM_000494.4 (MANE Select); coding-DNA position 1233, one base deleted (G; older notation c.1233delG).
Protein change: p.Thr412fs; shifts the reading frame from threonine 412.
Molecular consequence: frameshift variant.
Genome position (GRCh38, 1-based): chr10:104,058,180, C deleted on the plus strand (G on the coding strand, the reverse complement: COL17A1 is on the minus strand). VCF-style (leftmost placement, unchanged base first): chr10-104058179-TC-T. GRCh37 (hg19) VCF-style: chr10-105817937-TC-T.
Other names: short protein forms T412fs.
Identifiers: ClinVar variation 2431850 (VCV002431850.1), dbSNP rs1195164931, ClinGen allele CA595683781.